The following is an entry in ClinVar:

NM_007294.4(BRCA1):c.3478_3487del (p.Lys1160fs)

Genes: BRCA1 (BRCA1 DNA repair associated; minus strand), LOC126862571 (BRD4-independent group 4 enhancer GRCh37_chr17:41243136-41244335; plus strand). Cytogenetic location: 17q21.31.
Variant type: Deletion.
Coding change: c.3478_3487del on transcript NM_007294.4 (MANE Select); coding-DNA positions 3478 to 3487, 10 bases deleted (AAGGAAGATA; older notation c.3478_3487delAAGGAAGATA).
Protein change: p.Lys1160fs; shifts the reading frame from lysine 1160.
Molecular consequence: frameshift variant. On other transcripts: intron variant (135).
Genome position (GRCh38, 1-based): chr17:43,092,044-43,092,053, TATCTTCCTT deleted on the plus strand (AAGGAAGATA on the coding strand, the reverse complement: BRCA1 is on the minus strand); deleting any 10 consecutive bases within chr17:43,092,044-43,092,056 gives the same sequence; the c. name uses the placement nearest the transcript's 3' end. VCF-style (leftmost placement, unchanged base first): chr17-43092043-GTATCTTCCTT-G. GRCh37 (hg19) VCF-style: chr17-41244060-GTATCTTCCTT-G.
Other names: c.3478_3487delAAGGAAGATA (NM_007294.3, NM_007294.4); c.3355_3364del, p.Lys1119fs (NM_001407676.1, NM_001407677.1, NM_001407678.1 and 19 more transcripts); c.3352_3361del, p.Lys1118fs (NM_001407690.1, NM_001407691.1, NM_001407940.1 and 11 more transcripts); c.3337_3346del, p.Lys1113fs (NM_001407692.1, NM_001407694.1, NM_001407695.1 and 29 more transcripts); c.3334_3343del, p.Lys1112fs (NM_001407740.1, NM_001407741.1, NM_001407838.1 and 20 more transcripts); c.3265_3274del, p.Lys1089fs (NM_001407853.1, NM_001407894.1, NM_001407895.1 and 9 more transcripts); c.3478_3487del, p.Lys1160fs (NM_001407854.1, NM_001407858.1, NM_001407859.1 and 30 more transcripts); c.3475_3484del, p.Lys1159fs (NM_001407860.1, NM_001407861.1, NM_001407610.1 and 22 more transcripts); and 42 more; short protein forms K1160fs, K1113fs, K1033fs, K1092fs, K1118fs, K1032fs, K1072fs, K1089fs.
Identifiers: ClinVar variation 187386 (VCV000187386.8), dbSNP rs786203694, ClinGen allele CA002240.
Genomic context (GRCh38, chr17:43,092,043, plus strand): 5'-TTCTGGACGCTTTTGCTAAAAACAGCAGAACTTTCCTTAATGTCATTTTCAGCAAAACTA[GTATCTTCCTT>G]TATTTCACCATCATCTAACAGGTCATCAGGTGTCTCAGAACAAACCTGAGATGCATGACT-3'

ClinVar aggregate classification (germline): Pathogenic. Review status: reviewed by expert panel (3 of 4 stars). 3 submissions from 3 submitters: Pathogenic (1). 2 of the submissions do not count toward it. Last evaluated 2016-09-08.

Conditions:
Hereditary cancer-predisposing syndrome. Also called: Hereditary Cancer Syndrome; Hereditary neoplastic syndrome; Tumor predisposition; Neoplastic Syndromes, Hereditary. Identifiers: Orphanet 140162, MedGen C0027672, MeSH D009386, MONDO:0015356.
Breast-ovarian cancer, familial, susceptibility to, 1 (BROVCA1). Also called: OVARIAN CANCER, SUSCEPTIBILITY TO; BRCA1 Hereditary Breast and Ovarian Cancer. Identifiers: Orphanet 145, MedGen C2676676, MONDO:0011450, OMIM 604370. Disease mechanism: loss of function.

Submissions (3):

Evidence-based Network for the Interpretation of Germline Mutant Alleles (ENIGMA)
Classification: Pathogenic for Breast-ovarian cancer, familial, susceptibility to, 1. Last evaluated: 2016-09-08. Review status: reviewed by expert panel. Criteria: ENIGMA BRCA1/2 Classification Criteria (2015). Collection method: curation. Allele origin: germline.
Comment: Variant allele predicted to encode a truncated non-functional protein.

Center for Genomic Medicine, Rigshospitalet, Copenhagen University Hospital
Classification: Pathogenic. Last evaluated: 2025-03-04. Review status: criteria provided, single submitter. Criteria: ACMG Guidelines, 2015. Collection method: clinical testing. Allele origin: germline. Not counted in ClinVar's aggregate classification.

Ambry Genetics
Classification: Pathogenic for Hereditary cancer-predisposing syndrome. Last evaluated: 2024-11-15. Review status: criteria provided, single submitter. Criteria: Ambry Variant Classification Scheme 2023. Collection method: clinical testing. Allele origin: germline. Not counted in ClinVar's aggregate classification.
Comment: The c.3478_3487del10 pathogenic mutation, located in coding exon 9 of the BRCA1 gene, results from a deletion of 10 nucleotides at nucleotide positions 3478 to 3487, causing a translational frameshift with a predicted alternate stop codon (p.K1160Lfs*47). This variant is considered to be rare based on population cohorts in the Genome Aggregation Database (gnomAD). This alteration is expected to result in loss of function by premature protein truncation or nonsense-mediated mRNA decay. As such, this alteration is interpreted as a disease-causing mutation.